The following is an entry in ClinVar:

NC_000015.9:g.(?_72978569)_(75190071_?)del

Genes: ADPGK (ADP dependent glucokinase; minus strand), ARID3B (AT-rich interaction domain 3B; plus strand), BBS4 (Bardet-Biedl syndrome 4; plus strand), CCDC33 (coiled-coil domain containing 33; plus strand), CD276 (CD276 molecule; plus strand) and 26 more. Cytogenetic location: 15q24.1.
Variant type: Deletion.
Identifiers: ClinVar variation 3243817 (VCV003243817.1).

ClinVar aggregate classification (germline): Uncertain significance (1 of 4 stars; one submission).

Conditions:
Brugada syndrome 8 (BRGDA8). Identifiers: Orphanet 130, MedGen C2751083, MONDO:0013148, OMIM 613123.

Submission:

Labcorp Genetics (formerly Invitae), Labcorp
Classification: Uncertain significance for Brugada syndrome 8. Last evaluated: 2022-12-31. Review status: criteria provided, single submitter. Criteria: Invitae Variant Classification Sherloc (09022015). Collection method: clinical testing. Allele origin: unknown.
Comment: In summary, the available evidence is currently insufficient to determine the role of this variant in disease. Therefore, it has been classified as a Variant of Uncertain Significance. This variant has not been reported in the literature in individuals affected with HCN4-related conditions. A gross deletion of the genomic region encompassing the full coding sequence of the HCN4 gene has been identified. The current clinical and genetic evidence is not sufficient to establish whether loss-of-function variants in HCN4 cause disease. The boundaries of this event are unknown as they extend beyond the assayed region for this gene and therefore may encompass additional genes.